The following is an entry in ClinVar:

ClinVar aggregate classification (germline): Conflicting classifications of pathogenicity. Review status: criteria provided, conflicting classifications (1 of 4 stars). 6 submissions from 5 submitters: Uncertain significance (5); Benign (1). Last evaluated 2026-06-12.

Conditions:
SETX-related disorder. Also called: SETX-related disorders; SETX-related condition. Identifiers: MedGen CN239403.
Inborn genetic diseases. Identifiers: MedGen C0950123, MeSH D030342.
Spinocerebellar ataxia, autosomal recessive, with axonal neuropathy 2 (SCAN2). Also called: Ataxia with Oculomotor Apraxia; ATAXIA-OCULOMOTOR APRAXIA 2; Ataxia-ocular apraxia-2; Ataxia with Oculomotor Apraxia Type 2. Identifiers: Orphanet 64753, MedGen C1853761, MONDO:0018996, OMIM 606002.
Amyotrophic lateral sclerosis type 4 (ALS4). Also called: AMYOTROPHIC LATERAL SCLEROSIS 4, JUVENILE; NEURONOPATHY, DISTAL HEREDITARY MOTOR, WITH PYRAMIDAL FEATURES. Identifiers: Orphanet 357043, MedGen C1865409, MONDO:0011223, OMIM 602433.

Allele frequency attached by ClinVar (database versions not stated): gnomAD 0.00001 and 0.00003; gnomAD exomes 0.00001 and 0.00004; TOPMed 0.00002; ExAC 0.00005; 1000 Genomes Project 30x 0.00016; 1000 Genomes Project 0.00020.
gnomAD v4.1: 26 of 1,611,286 alleles (0.0016%); highest among the groups gnomAD compares: East Asian, 0.0045%; no homozygotes.

Submissions (6):

PreventionGenetics, part of Exact Sciences
Classification: Uncertain significance for SETX-related condition. Last evaluated: 2026-06-12. Review status: criteria provided, single submitter. Criteria: ACMG Guidelines, 2015. Collection method: clinical testing. Allele origin: germline.
Comment: The SETX c.382C>T variant is predicted to result in the amino acid substitution p.Arg128Cys. To our knowledge, this variant has not been reported in the literature. This variant is reported in 0.016% of alleles in individuals of East Asian descent in gnomAD. At this time, the clinical significance of this variant is uncertain due to the absence of conclusive functional and genetic evidence.

Labcorp Genetics (formerly Invitae), Labcorp
Classification: Benign for Amyotrophic lateral sclerosis type 4; Spinocerebellar ataxia, autosomal recessive, with axonal neuropathy 2. Last evaluated: 2024-01-18. Review status: criteria provided, single submitter. Criteria: Invitae Variant Classification Sherloc (09022015). Collection method: clinical testing. Allele origin: germline.

Ambry Genetics
Classification: Uncertain significance for Inborn genetic diseases. Last evaluated: 2023-05-18. Review status: criteria provided, single submitter. Criteria: Ambry Variant Classification Scheme 2023. Collection method: clinical testing. Allele origin: germline.
Comment: Unlikely to be causative of SETX-related juvenile amyotrophic lateral sclerosis (AD) Based on insufficient or conflicting evidence, the clinical significance of this alteration remains unclear.

Genome-Nilou Lab
Classification: Uncertain significance for Spinocerebellar ataxia, autosomal recessive, with axonal neuropathy 2. Last evaluated: 2023-02-08. Review status: criteria provided, single submitter. Criteria: ACMG Guidelines, 2015. Collection method: clinical testing. Allele origin: germline.

Genome-Nilou Lab
Classification: Uncertain significance for Amyotrophic lateral sclerosis type 4. Last evaluated: 2023-02-08. Review status: criteria provided, single submitter. Criteria: ACMG Guidelines, 2015. Collection method: clinical testing. Allele origin: germline.

CeGaT Center for Human Genetics Tuebingen
Classification: Uncertain significance. Last evaluated: 2021-01-01. Review status: criteria provided, single submitter. Criteria: CeGaT Center For Human Genetics Tuebingen Variant Classification Criteria Version 2. Collection method: clinical testing. Allele origin: germline. Affected: yes. Observed: 1 variant allele.

NM_015046.7(SETX):c.382C>T (p.Arg128Cys)

Gene: SETX (senataxin; minus strand). Cytogenetic location: 9q34.13.
Variant type: single nucleotide variant.
Coding change: c.382C>T on transcript NM_015046.7 (MANE Select); coding-DNA position 382, C replaced by T.
Protein change: p.Arg128Cys; replaces arginine 128 with cysteine.
Molecular consequence: missense variant.
Genome position (GRCh38, 1-based): chr9:132,346,267, G>A on the plus strand (C>T on the coding strand, the complement: SETX is on the minus strand). VCF-style: chr9-132346267-G-A. GRCh37 (hg19) VCF-style: chr9-135221654-G-A.
Other names: c.382C>T (NM_015046.5); c.382C>T, p.Arg128Cys (NM_001351527.2, NM_001351528.2); short protein forms R128C.
Identifiers: ClinVar variation 1013339 (VCV001013339.48), dbSNP rs552476047, ClinGen allele CA5298076.